The following is an entry in ClinVar:

ClinVar aggregate classification (germline): Uncertain significance (1 of 4 stars; one submission).

Conditions:
Hereditary cancer-predisposing syndrome. Also called: Neoplastic Syndromes, Hereditary; Tumor predisposition; Hereditary Cancer Syndrome; Hereditary neoplastic syndrome. Identifiers: Orphanet 140162, MedGen C0027672, MeSH D009386, MONDO:0015356.

Submission:

Ambry Genetics
Classification: Uncertain significance for Hereditary cancer-predisposing syndrome. Last evaluated: 2022-07-06. Review status: criteria provided, single submitter. Criteria: Ambry Variant Classification Scheme 2023. Collection method: clinical testing. Allele origin: germline.
Comment: The c.68_76delAGTACGTTG variant (also known as p.E23_V25del) is located in coding exon 2 of the NBN gene. This variant results from an in-frame AGTACGTTG deletion at nucleotide positions 68 to 76. This results in the in-frame deletion of glutamic acid, tyrosine, and valine at codons 23 to 25. This amino acid region is not well conserved in available vertebrate species. In addition, this alteration is predicted to be deleterious by in silico analysis (Choi Y et al. PLoS ONE. 2012; 7(10):e46688). Since supporting evidence is limited at this time, the clinical significance of this alteration remains unclear.

NM_002485.5(NBN):c.68_76del (p.Glu23_Val25del)

Gene: NBN (nibrin; minus strand). Cytogenetic location: 8q21.3.
Variant type: Deletion.
Coding change: c.68_76del on transcript NM_002485.5 (MANE Select); coding-DNA positions 68 to 76, 9 bases deleted (AGTACGTTG; older notation c.68_76delAGTACGTTG).
Protein change: p.Glu23_Val25del.
Molecular consequence: inframe deletion. On other transcripts: 5 prime UTR variant (1), inframe indel (1).
Genome position (GRCh38, 1-based): chr8:89,982,817-89,982,825, CAACGTACT deleted on the plus strand (AGTACGTTG on the coding strand, the reverse complement: NBN is on the minus strand); deleting any 9 consecutive bases within chr8:89,982,817-89,982,830 gives the same sequence; the c. name uses the placement nearest the transcript's 3' end. VCF-style (leftmost placement, unchanged base first): chr8-89982816-ACAACGTACT-A. GRCh37 (hg19) VCF-style: chr8-90995044-ACAACGTACT-A.
Other names: c.-229_-221del (NM_001024688.3); c.68_76delAGTACGTTG (NM_002485.4).
Identifiers: ClinVar variation 1755526 (VCV001755526.2), dbSNP rs2488369487, ClinGen allele CA2580079433.